The following is an entry in ClinVar:

NM_201596.3(CACNB2):c.1489G>A (p.Gly497Ser)

Gene: CACNB2 (calcium voltage-gated channel auxiliary subunit beta 2; plus strand). Cytogenetic location: 10p12.31.
Variant type: single nucleotide variant.
Coding change: c.1489G>A on transcript NM_201596.3 (MANE Select); coding-DNA position 1489, G replaced by A.
Protein change: p.Gly497Ser; replaces glycine 497 with serine.
Molecular consequence: missense variant.
Genome position (GRCh38, 1-based): chr10:18,539,230, G>A. VCF-style: chr10-18539230-G-A. GRCh37 (hg19) VCF-style: chr10-18828159-G-A.
Other names: p.Gly443Ser; c.1324G>A, p.Gly442Ser (NM_000724.4); c.1291G>A, p.Gly431Ser (NM_001167945.2); c.1210G>A, p.Gly404Ser (NM_001330060.2); c.1231G>A, p.Gly411Ser (NM_001410882.1); c.1345G>A, p.Gly449Ser (NM_201570.3); c.1405G>A, p.Gly469Ser (NM_201571.4); c.1333G>A, p.Gly445Ser (NM_201572.4); and 3 more; short protein forms G404S, G445S, G473S, G442S, G497S, G411S, G431S, G469S.
Identifiers: ClinVar variation 2203568 (VCV002203568.5), dbSNP rs1220629347, ClinGen allele CA376071062.

ClinVar aggregate classification (germline): Uncertain significance. Review status: criteria provided, multiple submitters, no conflicts (2 of 4 stars). 2 submissions from 2 submitters: Uncertain significance (2). Last evaluated 2025-04-01.

Conditions:
Brugada syndrome 4 (BRGDA4). Identifiers: Orphanet 130, MedGen C2678477, MONDO:0012743, OMIM 611876.

Allele frequency attached by ClinVar (database versions not stated): gnomAD 0.00001.

Submissions (2):

Mayo Clinic Laboratories, Mayo Clinic
Classification: Uncertain significance. Last evaluated: 2025-04-01. Review status: criteria provided, single submitter. Criteria: ACMG Guidelines, 2015. Collection method: clinical testing. Allele origin: germline. Observed: 1 variant allele.
Comment: BP4_moderate, PM2_supporting

Labcorp Genetics (formerly Invitae), Labcorp
Classification: Uncertain significance for Brugada syndrome 4. Last evaluated: 2021-12-17. Review status: criteria provided, single submitter. Criteria: Invitae Variant Classification Sherloc (09022015). Collection method: clinical testing. Allele origin: germline.
Comment: This sequence change replaces glycine, which is neutral and non-polar, with serine, which is neutral and polar, at codon 443 of the CACNB2 protein (p.Gly443Ser). This variant is not present in population databases (gnomAD no frequency). This variant has not been reported in the literature in individuals affected with CACNB2-related conditions. Algorithms developed to predict the effect of missense changes on protein structure and function output the following: SIFT: "Tolerated"; PolyPhen-2: "Benign"; Align-GVGD: "Class C0". The serine amino acid residue is found in multiple mammalian species, which suggests that this missense change does not adversely affect protein function. In summary, the available evidence is currently insufficient to determine the role of this variant in disease. Therefore, it has been classified as a Variant of Uncertain Significance.